The following is an entry in ClinVar:

NM_001655.5(ARCN1):c.526C>T (p.Gln176Ter)

Gene: ARCN1 (archain 1 coat protein complex I subunit delta; plus strand). Cytogenetic location: 11q23.3.
Variant type: single nucleotide variant.
Coding change: c.526C>T on transcript NM_001655.5 (MANE Select); coding-DNA position 526, C replaced by T.
Protein change: p.Gln176Ter; replaces glutamine 176 with a stop codon.
Molecular consequence: nonsense. On other transcripts: non-coding transcript variant (2).
Genome position (GRCh38, 1-based): chr11:118,583,887, C>T. VCF-style: chr11-118583887-C-T. GRCh37 (hg19) VCF-style: chr11-118454602-C-T.
Other names: c.262C>T, p.Gln88Ter (NM_001142281.2, NM_001425081.1); c.526C>T, p.Gln176Ter (NM_001425073.1, NM_001425077.1, NM_001425078.1); c.523C>T, p.Gln175Ter (NM_001425074.1, NM_001425079.1); c.469C>T, p.Gln157Ter (NM_001425075.1); c.457C>T, p.Gln153Ter (NM_001425076.1); c.82C>T, p.Gln28Ter (NM_001425080.1); short protein forms Q153*, Q157*, Q175*, Q176*, Q28*, Q88*.
Identifiers: ClinVar variation 4813485 (VCV004813485.1).

ClinVar aggregate classification (germline): Likely pathogenic (1 of 4 stars; one submission).

Conditions:
Short stature, rhizomelic, with microcephaly, micrognathia, and developmental delay (SSMG). Also called: SHORT STATURE-MICROGNATHIA SYNDROME. Identifiers: Orphanet 659702, MedGen C4310686, MONDO:0014948, OMIM 617164.

Submission:

MVZ Praenatalmedizin und Genetik Nuernberg
Classification: Likely pathogenic for Short stature, rhizomelic, with microcephaly, micrognathia, and developmental delay. Last evaluated: 2023-08-22. Review status: criteria provided, single submitter. Criteria: ACMG Guidelines, 2015. Collection method: clinical testing. Allele origin: de novo. Affected: yes.
Comment: It is located in exon 4 of 10 of the ARCN1 gene and leads to the introduction of a premature stop codon. It has not yet been described in gnomAD, ClinVar or the literature. However, several pathogenic or likely pathogenic variants are stored in ClinVar in the same exon (p.(Arg170*), p.(Glu174fs), p.(Gly185*)). Loss-of-function is therefore a typical pathomechanism of ARCN1 alterations. In summary, based on the current data, we assess this to be a likely pathogenic alteration.